The following is an entry in ClinVar:

NM_000666.3(ACY1):c.81C>G (p.Pro27=)

Genes: ABHD14A-ACY1 (ABHD14A-ACY1 readthrough; plus strand), ACY1 (aminoacylase 1; plus strand). Cytogenetic location: 3p21.2.
Variant type: single nucleotide variant.
Coding change: c.81C>G on transcript NM_000666.3 (MANE Select); coding-DNA position 81, C replaced by G.
Protein change: p.Pro27=; no amino-acid change (proline 27 retained).
Molecular consequence: synonymous variant.
Genome position (GRCh38, 1-based): chr3:51,984,145, C>G. VCF-style: chr3-51984145-C-G. GRCh37 (hg19) VCF-style: chr3-52018161-C-G.
Other names: p.Pro27=; c.351C>G, p.Pro117= (NM_001316331.2); c.81C>G, p.Pro27= (NM_001198895.2, NM_001198896.2, NM_001198897.2 and 1 more transcripts).
Identifiers: ClinVar variation 721267 (VCV000721267.36), dbSNP rs141824939, ClinGen allele CA2428331.

ClinVar aggregate classification (germline): Benign/Likely benign. Review status: criteria provided, multiple submitters, no conflicts (2 of 4 stars). 6 submissions from 6 submitters: Benign (2); Likely benign (3). 1 of the submissions does not count toward it. Last evaluated 2026-07-01.

Conditions:
ACY1-related disorder. Also called: ACY1-related condition.

Allele frequency attached by ClinVar (database versions not stated): gnomAD 0.00294 and 0.00288; gnomAD exomes 0.00299 and 0.00330; ExAC 0.00303; 1000 Genomes Project 30x 0.00141; 1000 Genomes Project 0.00160; ESP Exome Variant Server 0.00261; TOPMed 0.00279.
gnomAD v4.1: 4,793 of 1,613,960 alleles (0.3%); highest among the groups gnomAD compares: Non-Finnish European, 0.3%; 15 homozygotes.

Submissions (6):

CeGaT Center for Human Genetics Tuebingen
Classification: Likely benign. Last evaluated: 2026-07-01. Review status: criteria provided, single submitter. Criteria: CeGaT Center For Human Genetics Tuebingen Variant Classification Criteria Version 2. Collection method: clinical testing. Allele origin: germline. Affected: yes. Observed: 10 variant alleles.
Comment: ACY1: BP4, BP7, BS2; ABHD14A-ACY1: BP4, BP7, BS2

Labcorp Genetics (formerly Invitae), Labcorp
Classification: Benign. Last evaluated: 2026-01-26. Review status: criteria provided, single submitter. Criteria: Invitae Variant Classification Sherloc (09022015). Collection method: clinical testing. Allele origin: germline.

Blueprint Genetics
Classification: Likely benign. Last evaluated: 2024-11-21. Review status: criteria provided, single submitter. Criteria: ACMG Guidelines, 2015. Collection method: clinical testing. Allele origin: germline.

Mayo Clinic Laboratories, Mayo Clinic
Classification: Likely benign. Last evaluated: 2024-08-21. Review status: criteria provided, single submitter. Criteria: ACMG Guidelines, 2015. Collection method: clinical testing. Allele origin: germline. Observed: 4 variant alleles.

Breakthrough Genomics
Classification: Benign. Review status: criteria provided, single submitter. Criteria: ACMG Guidelines, 2015. Collection method: not provided. Allele origin: germline. Inheritance: Autosomal recessive inheritance. Affected: yes.

PreventionGenetics, part of Exact Sciences
Classification: Benign for ACY1-related condition. Last evaluated: 2023-12-01. Review status: no assertion criteria provided. Collection method: clinical testing. Allele origin: germline. Not counted in ClinVar's aggregate classification.
Comment: This variant is classified as benign based on ACMG/AMP sequence variant interpretation guidelines (Richards et al. 2015 PMID: 25741868, with internal and published modifications).